The following is an entry in ClinVar:

NM_007186.6(CEP250):c.7124C>A (p.Thr2375Asn)

Gene: CEP250 (centrosomal protein 250; plus strand). Cytogenetic location: 20q11.22.
Variant type: single nucleotide variant.
Coding change: c.7124C>A on transcript NM_007186.6 (MANE Select); coding-DNA position 7124, C replaced by A.
Protein change: p.Thr2375Asn; replaces threonine 2375 with asparagine.
Molecular consequence: missense variant.
Genome position (GRCh38, 1-based): chr20:35,511,421, C>A. VCF-style: chr20-35511421-C-A. GRCh37 (hg19) VCF-style: chr20-34099250-C-A.
Other names: c.5228C>A, p.Thr1743Asn (NM_001318219.1); short protein forms T1743N, T2375N.
Identifiers: ClinVar variation 1003528 (VCV001003528.8), dbSNP rs1475487869, ClinGen allele CA408761880.

ClinVar aggregate classification (germline): Uncertain significance (1 of 4 stars; one submission).

Allele frequency attached by ClinVar (database versions not stated): gnomAD exomes below 0.00001.
gnomAD v4.1: 3 of 1,613,978 alleles (0.00019%); highest among the groups gnomAD compares: Non-Finnish European, 0.00025%; no homozygotes.

Submission:

Labcorp Genetics (formerly Invitae), Labcorp
Classification: Uncertain significance. Last evaluated: 2022-09-27. Review status: criteria provided, single submitter. Criteria: Invitae Variant Classification Sherloc (09022015). Collection method: clinical testing. Allele origin: germline.
Comment: In summary, the available evidence is currently insufficient to determine the role of this variant in disease. Therefore, it has been classified as a Variant of Uncertain Significance. Algorithms developed to predict the effect of missense changes on protein structure and function are either unavailable or do not agree on the potential impact of this missense change (SIFT: "Not Available"; PolyPhen-2: "Benign"; Align-GVGD: "Not Available"). ClinVar contains an entry for this variant (Variation ID: 1003528). This variant has not been reported in the literature in individuals affected with CEP250-related conditions. This variant is present in population databases (no rsID available, gnomAD 0.0009%). This sequence change replaces threonine, which is neutral and polar, with asparagine, which is neutral and polar, at codon 2375 of the CEP250 protein (p.Thr2375Asn).